The following is an entry in ClinVar:

ClinVar aggregate classification (germline): Uncertain significance (1 of 4 stars; one submission).

Conditions:
PRKCG-related disorder. Also called: PRKCG-related condition.

Submission:

PreventionGenetics, part of Exact Sciences
Classification: Uncertain significance for PRKCG-related condition. Last evaluated: 2025-07-17. Review status: criteria provided, single submitter. Criteria: ACMG Guidelines, 2015. Collection method: clinical testing. Allele origin: germline.
Comment: The PRKCG c.167T>G variant is predicted to result in the amino acid substitution p.Ile56Ser. To our knowledge, this variant has not been reported in the literature or in a large population database (gnomAD), indicating this variant is rare. At this time, the clinical significance of this variant is uncertain due to the absence of conclusive functional and genetic evidence.

NM_002739.5(PRKCG):c.167T>G (p.Ile56Ser)

Gene: PRKCG (protein kinase C gamma; plus strand). Cytogenetic location: 19q13.42.
Variant type: single nucleotide variant.
Coding change: c.167T>G on transcript NM_002739.5 (MANE Select); coding-DNA position 167, T replaced by G.
Protein change: p.Ile56Ser; replaces isoleucine 56 with serine.
Molecular consequence: missense variant.
Genome position (GRCh38, 1-based): chr19:53,882,661, T>G. VCF-style: chr19-53882661-T-G. GRCh37 (hg19) VCF-style: chr19-54385915-T-G.
Other names: c.167T>G, p.Ile56Ser (NM_001316329.2); short protein forms I56S.
Identifiers: ClinVar variation 4997880 (VCV004997880.1).